The following is an entry in ClinVar:

ClinVar aggregate classification (germline): Uncertain significance (1 of 4 stars; one submission).

Conditions:
Ataxia-telangiectasia syndrome (AT). Also called: AT, COMPLEMENTATION GROUP C; Ataxia-telangiectasia, complementation group D; ATAXIA-TELANGIECTASIA, COMPLEMENTATION GROUP A; ATAXIA-TELANGIECTASIA, FRESNO VARIANT; Ataxia-telangiectasia; Ataxia telangiectasia (A-T). Identifiers: Orphanet 100, MedGen C0004135, MONDO:0008840, OMIM 208900.

Submission:

Labcorp Genetics (formerly Invitae), Labcorp
Classification: Uncertain significance for Ataxia-telangiectasia syndrome. Last evaluated: 2023-07-24. Review status: criteria provided, single submitter. Criteria: Invitae Variant Classification Sherloc (09022015). Collection method: clinical testing. Allele origin: germline.
Comment: In summary, the available evidence is currently insufficient to determine the role of this variant in disease. Therefore, it has been classified as a Variant of Uncertain Significance. Advanced modeling of protein sequence and biophysical properties (such as structural, functional, and spatial information, amino acid conservation, physicochemical variation, residue mobility, and thermodynamic stability) performed at Invitae indicates that this missense variant is not expected to disrupt ATM protein function. This variant has not been reported in the literature in individuals affected with ATM-related conditions. This variant is not present in population databases (gnomAD no frequency). This sequence change replaces histidine, which is basic and polar, with proline, which is neutral and non-polar, at codon 17 of the ATM protein (p.His17Pro).

NM_000051.4(ATM):c.50A>C (p.His17Pro)

Gene: ATM (ATM serine/threonine kinase; plus strand). Cytogenetic location: 11q22.3.
Variant type: single nucleotide variant.
Coding change: c.50A>C on transcript NM_000051.4 (MANE Select); coding-DNA position 50, A replaced by C.
Protein change: p.His17Pro; replaces histidine 17 with proline.
Molecular consequence: missense variant.
Genome position (GRCh38, 1-based): chr11:108,227,674, A>C. VCF-style: chr11-108227674-A-C. GRCh37 (hg19) VCF-style: chr11-108098401-A-C.
Other names: c.50A>C, p.His17Pro (NM_001351834.2, NM_001351835.2, NM_001351836.2); short protein forms H17P.
Identifiers: ClinVar variation 2746068 (VCV002746068.3), dbSNP rs1242444722, ClinGen allele CA382519206.